The following is an entry in ClinVar:

NM_005458.8(GABBR2):c.131G>C (p.Arg44Pro)

Gene: GABBR2 (gamma-aminobutyric acid type B receptor subunit 2; minus strand). Cytogenetic location: 9q22.33.
Variant type: single nucleotide variant.
Coding change: c.131G>C on transcript NM_005458.8 (MANE Select); coding-DNA position 131, G replaced by C.
Protein change: p.Arg44Pro; replaces arginine 44 with proline.
Molecular consequence: missense variant.
Genome position (GRCh38, 1-based): chr9:98,708,607, C>G on the plus strand (G>C on the coding strand, the complement: GABBR2 is on the minus strand). VCF-style: chr9-98708607-C-G. GRCh37 (hg19) VCF-style: chr9-101470889-C-G.
Other names: short protein forms R44P.
Identifiers: ClinVar variation 3010595 (VCV003010595.3), dbSNP rs765018232, ClinGen allele CA374212782.
Genomic context (GRCh38, chr9:98,708,607, plus strand): 5'-AGCGGCATGAGGCCCATGATGGAGAGCGGCGGGCTGCTGGGCGGCGGCCGGGGGGCGCCC[C>G]GCGCCCAGCCCCAGGCCCCGGGCGCCAGAGGCAGCAGCAGCGGCAGCAGCAGTAGCAGTA-3'
Protein context (NP_005449.5, residues 34-54): PLAPGAWGWA[Arg44Pro]GAPRPPPSSP

ClinVar aggregate classification (germline): Uncertain significance (1 of 4 stars; one submission).

Conditions:
Epileptic encephalopathy. Identifiers: MedGen C0543888, HP:0200134.

gnomAD v4.1: 4 of 1,399,492 alleles (0.00029%); highest among the groups gnomAD compares: South Asian, 0.0016%; no homozygotes.

Submission:

Labcorp Genetics (formerly Invitae), Labcorp
Classification: Uncertain significance for Epileptic encephalopathy. Last evaluated: 2023-11-27. Review status: criteria provided, single submitter. Criteria: Invitae Variant Classification Sherloc (09022015). Collection method: clinical testing. Allele origin: germline.
Comment: This sequence change replaces arginine, which is basic and polar, with proline, which is neutral and non-polar, at codon 44 of the GABBR2 protein (p.Arg44Pro). This variant is not present in population databases (gnomAD no frequency). This variant has not been reported in the literature in individuals affected with GABBR2-related conditions. Experimental studies and prediction algorithms are not available or were not evaluated, and the functional significance of this variant is currently unknown. In summary, the available evidence is currently insufficient to determine the role of this variant in disease. Therefore, it has been classified as a Variant of Uncertain Significance.